The following is an entry in ClinVar:

NM_013447.4(ADGRE2):c.2023del (p.Arg675fs)

Gene: ADGRE2 (adhesion G protein-coupled receptor E2; minus strand). Cytogenetic location: 19p13.12.
Variant type: Deletion.
Coding change: c.2023del on transcript NM_013447.4 (MANE Select); coding-DNA position 2023, one base deleted (C; older notation c.2023delC).
Protein change: p.Arg675fs; shifts the reading frame from arginine 675.
Molecular consequence: frameshift variant.
Genome position (GRCh38, 1-based): chr19:14,751,437, G deleted on the plus strand (C on the coding strand, the reverse complement: ADGRE2 is on the minus strand); the first of 3 consecutive G bases (chr19:14,751,437-14,751,439); deleting any one gives the same sequence. VCF-style (leftmost placement, unchanged base first): chr19-14751436-CG-C. GRCh37 (hg19) VCF-style: chr19-14862248-CG-C.
Other names: c.1849del, p.Arg617fs (NM_001271052.1); c.1876del, p.Arg626fs (NM_152916.2); c.1744del, p.Arg582fs (NM_152917.2); short protein forms R617fs, R626fs, R675fs, R582fs.
Identifiers: ClinVar variation 3700412 (VCV003700412.2).

ClinVar aggregate classification (germline): Uncertain significance (1 of 4 stars; one submission).

Submission:

Labcorp Genetics (formerly Invitae), Labcorp
Classification: Uncertain significance. Last evaluated: 2024-06-19. Review status: criteria provided, single submitter. Criteria: Invitae Variant Classification Sherloc (09022015). Collection method: clinical testing. Allele origin: germline.
Comment: This sequence change creates a premature translational stop signal (p.Arg675Alafs*24) in the ADGRE2 gene. It is expected to result in an absent or disrupted protein product. However, the current clinical and genetic evidence is not sufficient to establish whether loss-of-function variants in ADGRE2 cause disease. This variant is not present in population databases (gnomAD no frequency). This variant has not been reported in the literature in individuals affected with ADGRE2-related conditions. In summary, the available evidence is currently insufficient to determine the role of this variant in disease. Therefore, it has been classified as a Variant of Uncertain Significance.